The following is an entry in ClinVar:

NM_207361.6(FREM2):c.446_455del (p.Asp149fs)

Gene: FREM2 (FRAS1 related extracellular matrix 2; plus strand). Cytogenetic location: 13q13.3.
Variant type: Deletion.
Coding change: c.446_455del on transcript NM_207361.6 (MANE Select); coding-DNA positions 446 to 455, 10 bases deleted (ACCGCGTCCG; older notation c.446_455delACCGCGTCCG).
Protein change: p.Asp149fs; shifts the reading frame from aspartic acid 149.
Molecular consequence: frameshift variant.
Genome position (GRCh38, 1-based): chr13:38,687,790-38,687,799, ACCGCGTCCG deleted; deleting any 10 consecutive bases within chr13:38,687,789-38,687,799 gives the same sequence; the c. name uses the placement nearest the transcript's 3' end. VCF-style (leftmost placement, unchanged base first): chr13-38687788-GGACCGCGTCC-G. GRCh37 (hg19) VCF-style: chr13-39261925-GGACCGCGTCC-G.
Other names: short protein forms D149fs.
Identifiers: ClinVar variation 523965 (VCV000523965.2), dbSNP rs1555260833, ClinGen allele CA658798135.
Genomic context (GRCh38, chr13:38,687,788, plus strand): 5'-GTGCGACTTTGGCCCTGGCGAGGTGCGCTACTCTCACCTGGGCGCGCGCAGCCCGTCTCG[GGACCGCGTCC>G]GGCTGCAGCTGCGCTATGACGCGCCCGGAGGGGCAGTAGTGCTACCACTGGTACTGGAGG-3'

ClinVar aggregate classification (germline): Pathogenic (1 of 4 stars; one submission).

Submission:

GeneDx
Classification: Pathogenic. Last evaluated: 2018-03-02. Review status: criteria provided, single submitter. Criteria: GeneDx Variant Classification (06012015). Collection method: clinical testing. Allele origin: germline. Affected: yes.
Comment: The c.446_455del10 variant in the FREM2 gene has not been reported previously as a pathogenic variant nor as a benign variant, to our knowledge. The c.446_455del10 variant causes a frameshift starting with codon Aspartic acid 149, changes this amino acid to a Glycine residue, and creates a premature Stop codon at position 13 of the new reading frame, denoted p.Asp149GlyfsX13. This variant is predicted to cause loss of normal protein function either through protein truncation or nonsense-mediated mRNA decay. The c.446_455del10 variant is not observed in large population cohorts (Lek et al., 2016). We interpret c.446_455del10 as a pathogenic variant.